The following is an entry in ClinVar:

NM_000535.7(PMS2):c.442C>T (p.Pro148Ser)

Gene: PMS2 (PMS1 homolog 2, mismatch repair system component; minus strand). Cytogenetic location: 7p22.1.
Variant type: single nucleotide variant.
Coding change: c.442C>T on transcript NM_000535.7 (MANE Select); coding-DNA position 442, C replaced by T.
Protein change: p.Pro148Ser; replaces proline 148 with serine.
Molecular consequence: missense variant. On other transcripts: 5 prime UTR variant (2), non-coding transcript variant (1).
Genome position (GRCh38, 1-based): chr7:6,002,548, G>A on the plus strand (C>T on the coding strand, the complement: PMS2 is on the minus strand). VCF-style: chr7-6002548-G-A. GRCh37 (hg19) VCF-style: chr7-6042179-G-A.
Other names: c.37C>T, p.Pro13Ser (NM_001322003.2, NM_001322004.2, NM_001322005.2 and 3 more transcripts); c.442C>T, p.Pro148Ser (NM_001322006.2, NM_001322014.2); c.124C>T, p.Pro42Ser (NM_001322007.2, NM_001322008.2); c.133C>T, p.Pro45Ser (NM_001322015.2); c.-443C>T (NM_001322011.2, NM_001322012.2); short protein forms P148S, P45S, P13S, P42S.
Identifiers: ClinVar variation 455720 (VCV000455720.12), dbSNP rs1554304009, ClinGen allele CA366744338.
Genomic context (GRCh38, chr7:6,002,548, plus strand): 5'-CAGGTAGTGTGGAAAATAACTGCTGCACGCTGACTGTGGTCCCTCTGGGGCGGGGGTAGG[G>A]GGTTTTCTGGATAATTTTCCCATTGTGATCAAACATCAGTCGAGTTCCAACCTTCGCCGA-3'
Protein context (NP_000526.2, residues 138-158): DHNGKIIQKT[Pro148Ser]YPRPRGTTVS

ClinVar aggregate classification (germline): Uncertain significance. Review status: criteria provided, multiple submitters, no conflicts (2 of 4 stars). 2 submissions from 2 submitters: Uncertain significance (2). Last evaluated 2024-10-22.

Conditions:
Hereditary nonpolyposis colorectal neoplasms. Identifiers: MedGen C0009405, MeSH D003123.
Hereditary cancer-predisposing syndrome. Also called: Hereditary Cancer Syndrome; Hereditary neoplastic syndrome; Neoplastic Syndromes, Hereditary; Tumor predisposition. Identifiers: Orphanet 140162, MedGen C0027672, MeSH D009386, MONDO:0015356.

Submissions (2):

Ambry Genetics
Classification: Uncertain significance for Hereditary cancer-predisposing syndrome. Last evaluated: 2024-10-22. Review status: criteria provided, single submitter. Criteria: Ambry Variant Classification Scheme 2023. Collection method: clinical testing. Allele origin: germline.
Comment: The p.P148S variant (also known as c.442C>T), located in coding exon 5 of the PMS2 gene, results from a C to T substitution at nucleotide position 442. The proline at codon 148 is replaced by serine, an amino acid with similar properties. This amino acid position is highly conserved in available vertebrate species. In addition, the in silico prediction for this alteration is inconclusive. Since supporting evidence is limited at this time, the clinical significance of this alteration remains unclear.

Labcorp Genetics (formerly Invitae), Labcorp
Classification: Uncertain significance for Hereditary nonpolyposis colorectal neoplasms. Last evaluated: 2023-05-07. Review status: criteria provided, single submitter. Criteria: Invitae Variant Classification Sherloc (09022015). Collection method: clinical testing. Allele origin: germline.
Comment: This sequence change replaces proline, which is neutral and non-polar, with serine, which is neutral and polar, at codon 148 of the PMS2 protein (p.Pro148Ser). This variant is not present in population databases (gnomAD no frequency). This variant has not been reported in the literature in individuals affected with PMS2-related conditions. ClinVar contains an entry for this variant (Variation ID: 455720). Advanced modeling of protein sequence and biophysical properties (such as structural, functional, and spatial information, amino acid conservation, physicochemical variation, residue mobility, and thermodynamic stability) has been performed at Invitae for this missense variant, however the output from this modeling did not meet the statistical confidence thresholds required to predict the impact of this variant on PMS2 protein function. In summary, the available evidence is currently insufficient to determine the role of this variant in disease. Therefore, it has been classified as a Variant of Uncertain Significance.